The following is an entry in ClinVar:

ClinVar aggregate classification (germline): Uncertain significance (1 of 4 stars; one submission).

Conditions:
Familial cancer of breast. Also called: BREAST CANCER, FAMILIAL; Hereditary breast cancer; hereditary breast carcinoma. Identifiers: Orphanet 227535, MedGen C0346153, MONDO:0016419, OMIM 114480. Disease mechanism: loss of function.

Submission:

Labcorp Genetics (formerly Invitae), Labcorp
Classification: Uncertain significance for Familial cancer of breast. Last evaluated: 2022-04-09. Review status: criteria provided, single submitter. Criteria: Invitae Variant Classification Sherloc (09022015). Collection method: clinical testing. Allele origin: germline.
Comment: This sequence change replaces glutamic acid, which is acidic and polar, with glutamine, which is neutral and polar, at codon 550 of the BARD1 protein (p.Glu550Gln). In summary, the available evidence is currently insufficient to determine the role of this variant in disease. Therefore, it has been classified as a Variant of Uncertain Significance. Algorithms developed to predict the effect of missense changes on protein structure and function (SIFT, PolyPhen-2, Align-GVGD) all suggest that this variant is likely to be tolerated. This variant has not been reported in the literature in individuals affected with BARD1-related conditions. This variant is not present in population databases (gnomAD no frequency).

NM_000465.4(BARD1):c.1648G>C (p.Glu550Gln)

Gene: BARD1 (BRCA1 associated RING domain 1; minus strand). Cytogenetic location: 2q35.
Variant type: single nucleotide variant.
Coding change: c.1648G>C on transcript NM_000465.4 (MANE Select); coding-DNA position 1648, G replaced by C.
Protein change: p.Glu550Gln; replaces glutamic acid 550 with glutamine.
Molecular consequence: missense variant. On other transcripts: non-coding transcript variant (3), intron variant (1).
Genome position (GRCh38, 1-based): chr2:214,752,476, C>G on the plus strand (G>C on the coding strand, the complement: BARD1 is on the minus strand). VCF-style: chr2-214752476-C-G. GRCh37 (hg19) VCF-style: chr2-215617200-C-G.
Other names: c.1591G>C, p.Glu531Gln (NM_001282543.2); c.295G>C, p.Glu99Gln (NM_001282545.2); c.238G>C, p.Glu80Gln (NM_001282548.2); c.365-21968G>C (NM_001282549.2); short protein forms E80Q, E99Q, E550Q, E531Q.
Identifiers: ClinVar variation 2123715 (VCV002123715.4), dbSNP rs2106038728, ClinGen allele CA350454662.